The following is an entry in ClinVar:

NM_004407.4(DMP1):c.421G>A (p.Asp141Asn)

Genes: DMP1 (dentin matrix acidic phosphoprotein 1; plus strand), DMP1-AS1 (DMP1 and DSPP antisense RNA 1; minus strand). Cytogenetic location: 4q22.1.
Variant type: single nucleotide variant.
Coding change: c.421G>A on transcript NM_004407.4 (MANE Select); coding-DNA position 421, G replaced by A.
Protein change: p.Asp141Asn; replaces aspartic acid 141 with asparagine.
Molecular consequence: missense variant.
Genome position (GRCh38, 1-based): chr4:87,662,199, G>A. VCF-style: chr4-87662199-G-A. GRCh37 (hg19) VCF-style: chr4-88583351-G-A.
Other names: c.373G>A, p.Asp125Asn (NM_001079911.3); c.421G>A (NM_004407.3); short protein forms D141N, D125N.
Identifiers: ClinVar variation 2051929 (VCV002051929.6), dbSNP rs144580319, ClinGen allele CA3002029.

ClinVar aggregate classification (germline): Likely benign. Review status: criteria provided, single submitter (1 of 4 stars). 2 submissions from 2 submitters: Likely benign (1). 1 of the submissions does not count toward it. Last evaluated 2025-12-23.

Conditions:
DMP1-related disorder. Also called: DMP1-related condition.

Allele frequency attached by ClinVar (database versions not stated): gnomAD exomes 0.00005; ExAC 0.00024; 1000 Genomes Project 30x 0.00047; 1000 Genomes Project 0.00060; gnomAD 0.00071; ESP Exome Variant Server 0.00085; TOPMed 0.00085.
gnomAD v4.1: 192 of 1,614,214 alleles (0.012%); highest among the groups gnomAD compares: African/African-American, 0.21%; 1 homozygote.

Submissions (2):

Labcorp Genetics (formerly Invitae), Labcorp
Classification: Likely benign. Last evaluated: 2025-12-23. Review status: criteria provided, single submitter. Criteria: Invitae Variant Classification Sherloc (09022015). Collection method: clinical testing. Allele origin: germline.

PreventionGenetics, part of Exact Sciences
Classification: Likely benign for DMP1-related condition. Last evaluated: 2022-03-30. Review status: no assertion criteria provided. Collection method: clinical testing. Allele origin: germline. Not counted in ClinVar's aggregate classification.
Comment: This variant is classified as likely benign based on ACMG/AMP sequence variant interpretation guidelines (Richards et al. 2015 PMID: 25741868, with internal and published modifications).